The following is an entry in ClinVar:

ClinVar aggregate classification (germline): Uncertain significance (1 of 4 stars; one submission).

Conditions:
Catecholaminergic polymorphic ventricular tachycardia (CVPT). Also called: Catecholamine-induced polymorphic ventricular tachycardia. Identifiers: Orphanet 3286, MedGen C5574922, MONDO:0017990.

Submission:

All of Us Research Program, National Institutes of Health
Classification: Uncertain significance for Catecholaminergic polymorphic ventricular tachycardia. Last evaluated: 2023-04-10. Review status: criteria provided, single submitter. Criteria: ACMG Guidelines, 2015. Collection method: clinical testing. Allele origin: germline. Inheritance: Autosomal dominant inheritance. Observed: 1 variant allele, 1 heterozygote.
Comment: This variant causes an A to G nucleotide substitution at the +4 position of intron 6 of the RYR2 gene. Splice site prediction tools suggest that this variant may have a significant impact on RNA splicing. To our knowledge, functional studies have not been reported for this variant. This variant has not been reported in individuals affected with RYR2-related disorders in the literature. This variant has not been identified in the general population by the Genome Aggregation Database (gnomAD). The available evidence is insufficient to determine the role of this variant in disease conclusively. Therefore, this variant is classified as a Variant of Uncertain Significance.

This study involves interpretation of variants in research participants for the purpose of population health screening. Participant phenotype was not available at the time of variant classification. Additional details can be found in publication PMID: 35346344, PMCID: PMC8962531

NM_001035.3(RYR2):c.384+4A>G

Gene: RYR2 (ryanodine receptor 2; plus strand). Cytogenetic location: 1q43.
Variant type: single nucleotide variant.
Coding change: c.384+4A>G on transcript NM_001035.3 (MANE Select); 4 bases into the intron after coding-DNA position 384, A replaced by G.
Molecular consequence: intron variant.
Genome position (GRCh38, 1-based): chr1:237,369,612, A>G. VCF-style: chr1-237369612-A-G. GRCh37 (hg19) VCF-style: chr1-237532912-A-G.
Identifiers: ClinVar variation 3070465 (VCV003070465.1), dbSNP rs2529841473, ClinGen allele CA2825000942.